The following is an entry in ClinVar:

NM_000147.5(FUCA1):c.389+17G>A

Genes: FUCA1 (alpha-L-fucosidase 1; minus strand), LOC129929685 (ATAC-STARR-seq lymphoblastoid silent region 427; plus strand). Cytogenetic location: 1p36.11.
Variant type: single nucleotide variant.
Coding change: c.389+17G>A on transcript NM_000147.5 (MANE Select); 17 bases into the intron after coding-DNA position 389, G replaced by A.
Molecular consequence: intron variant. On other transcripts: non-coding transcript variant (2).
Genome position (GRCh38, 1-based): chr1:23,867,881, C>T on the plus strand (G>A on the coding strand, the complement: FUCA1 is on the minus strand). VCF-style: chr1-23867881-C-T. GRCh37 (hg19) VCF-style: chr1-24194371-C-T.
Other names: p.?.
Identifiers: ClinVar variation 4684766 (VCV004684766.1).

ClinVar aggregate classification (germline): Likely benign (1 of 4 stars; one submission).

gnomAD v4.1: 1 of 1,541,320 alleles (0.000065%); highest among the groups gnomAD compares: African/African-American, 0.0014%; no homozygotes.

Submission:

Mayo Clinic Laboratories, Mayo Clinic
Classification: Likely benign. Last evaluated: 2025-03-31. Review status: criteria provided, single submitter. Criteria: ACMG Guidelines, 2015. Collection method: clinical testing. Allele origin: germline. Observed: 1 variant allele.
Comment: BP4, BP7